The following is an entry in ClinVar:

ClinVar aggregate classification (germline): Uncertain significance (1 of 4 stars; one submission).

Conditions:
Retinitis pigmentosa 71 (RP71). Identifiers: Orphanet 791, MedGen C4225342, MONDO:0014618, OMIM 616394.
Short-rib thoracic dysplasia 10 with or without polydactyly (SRTD10). Identifiers: Orphanet 474, MedGen C3810175, MONDO:0014284, OMIM 615630.

Submission:

Labcorp Genetics (formerly Invitae), Labcorp
Classification: Uncertain significance for Retinitis pigmentosa 71; Short-rib thoracic dysplasia 10 with or without polydactyly. Last evaluated: 2020-11-21. Review status: criteria provided, single submitter. Criteria: Invitae Variant Classification Sherloc (09022015). Collection method: clinical testing. Allele origin: germline.
Comment: Algorithms developed to predict the effect of missense changes on protein structure and function are either unavailable or do not agree on the potential impact of this missense change (SIFT: "Deleterious"; PolyPhen-2: "Possibly Damaging"; Align-GVGD: "Class C0"). In summary, the available evidence is currently insufficient to determine the role of this variant in disease. Therefore, it has been classified as a Variant of Uncertain Significance. This variant has not been reported in the literature in individuals with IFT172-related conditions. This sequence change replaces leucine with valine at codon 1203 of the IFT172 protein (p.Leu1203Val). The leucine residue is moderately conserved and there is a small physicochemical difference between leucine and valine. This variant is not present in population databases (ExAC no frequency).

NM_015662.3(IFT172):c.3607C>G (p.Leu1203Val)

Genes: IFT172 (intraflagellar transport 172; minus strand), LOC126806173 (BRD4-independent group 4 enhancer GRCh37_chr2:27676057-27677256; plus strand). Cytogenetic location: 2p23.3.
Variant type: single nucleotide variant.
Coding change: c.3607C>G on transcript NM_015662.3 (MANE Select); coding-DNA position 3607, C replaced by G.
Protein change: p.Leu1203Val; replaces leucine 1203 with valine.
Molecular consequence: missense variant.
Genome position (GRCh38, 1-based): chr2:27,454,086, G>C on the plus strand (C>G on the coding strand, the complement: IFT172 is on the minus strand). VCF-style: chr2-27454086-G-C. GRCh37 (hg19) VCF-style: chr2-27676953-G-C.
Other names: short protein forms L1203V.
Identifiers: ClinVar variation 1350109 (VCV001350109.8), dbSNP rs2148488428, ClinGen allele CA346378503.